The following is an entry in ClinVar:

ClinVar aggregate classification (germline): Conflicting classifications of pathogenicity. Review status: criteria provided, conflicting classifications (1 of 4 stars). 2 submissions from 2 submitters: Uncertain significance (1); Likely benign (1). Last evaluated 2025-06-24.

Conditions:
Exudative vitreoretinopathy 4 (EVR4). Identifiers: Orphanet 891, MedGen C1866176, MONDO:0011151, OMIM 601813.

Allele frequency attached by ClinVar (database versions not stated): ExAC 0.00001; gnomAD 0.00002; gnomAD exomes 0.00003.
gnomAD v4.1: 31 of 676,108 alleles (0.0046%); highest among the groups gnomAD compares: South Asian, 0.0075%; no homozygotes.

Submissions (2):

Labcorp Genetics (formerly Invitae), Labcorp
Classification: Likely benign. Last evaluated: 2025-06-24. Review status: criteria provided, single submitter. Criteria: Invitae Variant Classification Sherloc (09022015). Collection method: clinical testing. Allele origin: germline.

Centre for Mendelian Genomics, University Medical Centre Ljubljana
Classification: Uncertain significance for Exudative vitreoretinopathy 4. Last evaluated: 2019-04-29. Review status: criteria provided, single submitter. Criteria: ACMG Guidelines, 2015. Collection method: clinical testing. Allele origin: unknown. Affected: yes.
Comment: This variant was classified as: Uncertain significance. The available evidence on this variant's pathogenicity is insufficient or conflicting. The following ACMG criteria were applied in classifying this variant: BP4.

NM_002335.4(LRP5):c.883+20C>T

Gene: LRP5 (LDL receptor related protein 5; plus strand). Cytogenetic location: 11q13.2.
Variant type: single nucleotide variant.
Coding change: c.883+20C>T on transcript NM_002335.4 (MANE Select); 20 bases into the intron after coding-DNA position 883, C replaced by T.
Molecular consequence: intron variant.
Genome position (GRCh38, 1-based): chr11:68,363,963, C>T. VCF-style: chr11-68363963-C-T. GRCh37 (hg19) VCF-style: chr11-68131431-C-T.
Other names: c.-883+20C>T (NM_001291902.2).
Identifiers: ClinVar variation 930443 (VCV000930443.11), dbSNP rs761245318, ClinGen allele CA6149131.
Genomic context (GRCh38, chr11:68,363,963, plus strand): 5'-CATGGACATCCAGGTGCTGAGCCAGGAGCGGCAGCCTTTCTGTGAGTGCCGGCTGGGGCG[C>T]GGGGGCGAGGGTGCGGGGGCTGGGGGGAGCGGGGGCGCGGGGCAGGGGAGTGGGAGGATG-3'